The following is an entry in ClinVar:

ClinVar aggregate classification (germline): Likely benign (0 of 4 stars; one submission).

Submission:

ISCA site 4
Classification: Likely benign. Last evaluated: 2017-09-01. Review status: no assertion criteria provided. Collection method: clinical testing. Allele origin: unknown. Affected: yes. Observed: 1 variant allele.
Comment: intronic loss

Copy number variation identified through the course of routine clinical cytogenomic testing in postnatal populations, with clinical assertions as classified by the original submitter.

GRCh38/hg38 2p16.3(chr2:50716342-50801952)x1

Gene: NRXN1 (neurexin 1; minus strand). Cytogenetic location: 2p16.3.
Variant type: copy number loss.
Change: copy number 1 (one copy instead of two) of chr2:50,716,342-50,801,952 (85.6 kb, GRCh38 coordinates, 1-based), cytogenetic band 2p16.3.
Identifiers: ClinVar variation 146762 (VCV000146762.4).